The following is an entry in ClinVar:

ClinVar aggregate classification (germline): Uncertain significance (1 of 4 stars; one submission).

Conditions:
Joubert syndrome 23 (JBTS23). Identifiers: Orphanet 475, MedGen C4084822, MONDO:0014664, OMIM 616490.
Short-rib thoracic dysplasia 14 with polydactyly (SRTD14). Identifiers: Orphanet 397715, MedGen C4225286, MONDO:0014688, OMIM 616546.

Allele frequency attached by ClinVar (database versions not stated): gnomAD exomes below 0.00001.

Submission:

Labcorp Genetics (formerly Invitae), Labcorp
Classification: Uncertain significance for Joubert syndrome 23; Short-rib thoracic dysplasia 14 with polydactyly. Last evaluated: 2022-03-11. Review status: criteria provided, single submitter. Criteria: Invitae Variant Classification Sherloc (09022015). Collection method: clinical testing. Allele origin: germline.
Comment: This sequence change replaces serine, which is neutral and polar, with asparagine, which is neutral and polar, at codon 339 of the KIAA0586 protein (p.Ser339Asn). This variant is not present in population databases (gnomAD no frequency). This variant has not been reported in the literature in individuals affected with KIAA0586-related conditions. Algorithms developed to predict the effect of missense changes on protein structure and function output the following: SIFT: "Tolerated"; PolyPhen-2: "Benign"; Align-GVGD: "Class C0". The asparagine amino acid residue is found in multiple mammalian species, which suggests that this missense change does not adversely affect protein function. In summary, the available evidence is currently insufficient to determine the role of this variant in disease. Therefore, it has been classified as a Variant of Uncertain Significance.

NM_001329943.3(KIAA0586):c.857G>A (p.Ser286Asn)

Gene: KIAA0586 (KIAA0586; plus strand). Cytogenetic location: 14q23.1.
Variant type: single nucleotide variant.
Coding change: c.857G>A on transcript NM_001329943.3 (MANE Select); coding-DNA position 857, G replaced by A.
Protein change: p.Ser286Asn; replaces serine 286 with asparagine.
Molecular consequence: missense variant.
Genome position (GRCh38, 1-based): chr14:58,448,389, G>A. VCF-style: chr14-58448389-G-A. GRCh37 (hg19) VCF-style: chr14-58915107-G-A.
Other names: c.1016G>A, p.Ser339Asn (NM_001244189.2); c.812G>A, p.Ser271Asn (NM_001244190.2); c.602G>A, p.Ser201Asn (NM_001244191.2, NM_001329945.2, NM_001364700.1 and 1 more transcripts); c.725G>A, p.Ser242Asn (NM_001244192.2); c.437G>A, p.Ser146Asn (NM_001244193.2); c.857G>A, p.Ser286Asn (NM_001329944.2, NM_001329946.2, NM_001329947.2 and 1 more transcripts); short protein forms S242N, S286N, S201N, S339N, S146N, S271N.
Identifiers: ClinVar variation 1944067 (VCV001944067.5), dbSNP rs2542902446, ClinGen allele CA389863914.